The following is an entry in ClinVar:

ClinVar aggregate classification (germline): Uncertain significance. Review status: criteria provided, multiple submitters, no conflicts (2 of 4 stars). 2 submissions from 2 submitters: Uncertain significance (2). Last evaluated 2025-11-03.

Conditions:
Inborn genetic diseases. Identifiers: MedGen C0950123, MeSH D030342.

Allele frequency attached by ClinVar (database versions not stated): TOPMed 0.00001; gnomAD 0.00001.

Submissions (2):

Ambry Genetics
Classification: Uncertain significance for Inborn genetic diseases. Last evaluated: 2025-11-03. Review status: criteria provided, single submitter. Criteria: Ambry Variant Classification Scheme 2023. Collection method: clinical testing. Allele origin: germline.

Labcorp Genetics (formerly Invitae), Labcorp
Classification: Uncertain significance. Last evaluated: 2022-07-20. Review status: criteria provided, single submitter. Criteria: Invitae Variant Classification Sherloc (09022015). Collection method: clinical testing. Allele origin: germline.
Comment: In summary, the available evidence is currently insufficient to determine the role of this variant in disease. Therefore, it has been classified as a Variant of Uncertain Significance. Advanced modeling of protein sequence and biophysical properties (such as structural, functional, and spatial information, amino acid conservation, physicochemical variation, residue mobility, and thermodynamic stability) performed at Invitae indicates that this missense variant is not expected to disrupt GRM6 protein function. ClinVar contains an entry for this variant (Variation ID: 1020477). This variant has not been reported in the literature in individuals affected with GRM6-related conditions. This variant is present in population databases (rs780673214, gnomAD 0.003%). This sequence change replaces proline, which is neutral and non-polar, with alanine, which is neutral and non-polar, at codon 688 of the GRM6 protein (p.Pro688Ala).

NM_000843.4(GRM6):c.2062C>G (p.Pro688Ala)

Genes: ZNF454 (zinc finger protein 454; plus strand), GRM6 (glutamate metabotropic receptor 6; minus strand). Cytogenetic location: 5q35.3.
Variant type: single nucleotide variant.
Coding change: c.2062C>G on transcript NM_000843.4 (MANE Select); coding-DNA position 2062, C replaced by G.
Protein change: p.Pro688Ala; replaces proline 688 with alanine.
Molecular consequence: missense variant.
Genome position (GRCh38, 1-based): chr5:178,986,192, G>C on the plus strand (C>G on the coding strand, the complement: GRM6 is on the minus strand). VCF-style: chr5-178986192-G-C. GRCh37 (hg19) VCF-style: chr5-178413193-G-C.
Other names: c.2062C>G (NM_000843.3); short protein forms P688A.
Identifiers: ClinVar variation 1020477 (VCV001020477.9), dbSNP rs780673214, ClinGen allele CA3593843.